The following is an entry in ClinVar:

ClinVar aggregate classification (germline): Uncertain significance. Review status: criteria provided, multiple submitters, no conflicts (2 of 4 stars). 2 submissions from 2 submitters: Uncertain significance (2). Last evaluated 2025-08-20.

Conditions:
Ataxia-telangiectasia-like disorder (ATLD). Identifiers: MedGen C1858391, MONDO:0011457.
Hereditary cancer-predisposing syndrome. Also called: Hereditary neoplastic syndrome; Neoplastic Syndromes, Hereditary; Tumor predisposition; Hereditary Cancer Syndrome. Identifiers: Orphanet 140162, MedGen C0027672, MeSH D009386, MONDO:0015356.

Allele frequency attached by ClinVar (database versions not stated): gnomAD exomes 0.00001; TOPMed 0.00001.
gnomAD v4.1: 4 of 1,613,462 alleles (0.00025%); highest among the groups gnomAD compares: Non-Finnish European, 0.00034%; no homozygotes.

Submissions (2):

Ambry Genetics
Classification: Uncertain significance for Hereditary cancer-predisposing syndrome. Last evaluated: 2025-08-20. Review status: criteria provided, single submitter. Criteria: Ambry Variant Classification Scheme 2023. Collection method: clinical testing. Allele origin: germline.
Comment: The p.E207G variant (also known as c.620A>G), located in coding exon 6 of the MRE11A gene, results from an A to G substitution at nucleotide position 620. The glutamic acid at codon 207 is replaced by glycine, an amino acid with similar properties. This amino acid position is conserved. In addition, this alteration is predicted to be tolerated by in silico analysis. Since supporting evidence is limited at this time, the clinical significance of this alteration remains unclear.

Labcorp Genetics (formerly Invitae), Labcorp
Classification: Uncertain significance for Ataxia-telangiectasia-like disorder. Last evaluated: 2021-06-20. Review status: criteria provided, single submitter. Criteria: Invitae Variant Classification Sherloc (09022015). Collection method: clinical testing. Allele origin: germline.
Comment: This sequence change replaces glutamic acid with glycine at codon 207 of the MRE11 protein (p.Glu207Gly). The glutamic acid residue is highly conserved and there is a moderate physicochemical difference between glutamic acid and glycine. This variant is not present in population databases (ExAC no frequency). This variant has not been reported in the literature in individuals with MRE11-related conditions. Algorithms developed to predict the effect of missense changes on protein structure and function output the following: SIFT: "Deleterious"; PolyPhen-2: "Benign"; Align-GVGD: "Class C0". The glycine amino acid residue is found in multiple mammalian species, suggesting that this missense change does not adversely affect protein function. These predictions have not been confirmed by published functional studies and their clinical significance is uncertain. In summary, the available evidence is currently insufficient to determine the role of this variant in disease. Therefore, it has been classified as a Variant of Uncertain Significance.

NM_005591.4(MRE11):c.620A>G (p.Glu207Gly)

Gene: MRE11 (MRE11 double strand break repair nuclease; minus strand). Cytogenetic location: 11q21.
Variant type: single nucleotide variant.
Coding change: c.620A>G on transcript NM_005591.4 (MANE Select); coding-DNA position 620, A replaced by G.
Protein change: p.Glu207Gly; replaces glutamic acid 207 with glycine.
Molecular consequence: missense variant.
Genome position (GRCh38, 1-based): chr11:94,476,328, T>C on the plus strand (A>G on the coding strand, the complement: MRE11 is on the minus strand). VCF-style: chr11-94476328-T-C. GRCh37 (hg19) VCF-style: chr11-94209494-T-C.
Other names: c.620A>G, p.Glu207Gly (NM_001330347.2, NM_005590.4); c.620A>G (NM_005591.3); short protein forms E207G.
Identifiers: ClinVar variation 1681615 (VCV001681615.10), dbSNP rs1472959295, ClinGen allele CA382376699.